The following is an entry in ClinVar:

ClinVar aggregate classification (germline): Conflicting classifications of pathogenicity. Review status: criteria provided, conflicting classifications (1 of 4 stars). 5 submissions from 5 submitters: Uncertain significance (3); Likely benign (1). 1 of the submissions does not count toward it. Last evaluated 2025-06-29.

Conditions:
Developmental and epileptic encephalopathy, 81. Also called: EPILEPTIC ENCEPHALOPATHY, EARLY INFANTILE, 81. Identifiers: MedGen C5231450, MONDO:0032858, OMIM 618663.
Polyendocrine-polyneuropathy syndrome (PEPNS). Identifiers: Orphanet 453533, MedGen C4015261, MONDO:0014497, OMIM 616113.
Hearing loss, autosomal dominant 71. Also called: DEAFNESS, AUTOSOMAL DOMINANT 71. Identifiers: MedGen C4539881, MONDO:0033258, OMIM 617605.
DMXL2-related disorder. Also called: DMXL2-related condition.
Inborn genetic diseases. Identifiers: MedGen C0950123, MeSH D030342.

Allele frequency attached by ClinVar (database versions not stated): ESP Exome Variant Server 0.00031; ExAC 0.00010; TOPMed 0.00039; gnomAD exomes 0.00004; gnomAD 0.00033.
gnomAD v4.1: 108 of 1,613,856 alleles (0.0067%); highest among the groups gnomAD compares: African/African-American, 0.14%; no homozygotes.

Submissions (5):

Mayo Clinic Laboratories, Mayo Clinic
Classification: Uncertain significance. Last evaluated: 2025-06-29. Review status: criteria provided, single submitter. Criteria: ACMG Guidelines, 2015. Collection method: clinical testing. Allele origin: germline. Observed: 1 variant allele.
Comment: BP4_moderate

Fulgent Genetics
Classification: Uncertain significance for Polyendocrine-polyneuropathy syndrome; Hearing loss, autosomal dominant 71; Developmental and epileptic encephalopathy, 81. Last evaluated: 2024-06-20. Review status: criteria provided, single submitter. Criteria: ACMG Guidelines, 2015. Collection method: clinical testing. Allele origin: germline.

Labcorp Genetics (formerly Invitae), Labcorp
Classification: Uncertain significance. Last evaluated: 2022-09-07. Review status: criteria provided, single submitter. Criteria: Invitae Variant Classification Sherloc (09022015). Collection method: clinical testing. Allele origin: germline.
Comment: This sequence change replaces glutamine, which is neutral and polar, with proline, which is neutral and non-polar, at codon 2012 of the DMXL2 protein (p.Gln2012Pro). This variant is present in population databases (rs138394487, gnomAD 0.1%). This variant has not been reported in the literature in individuals affected with DMXL2-related conditions. Algorithms developed to predict the effect of missense changes on protein structure and function (SIFT, PolyPhen-2, Align-GVGD) all suggest that this variant is likely to be tolerated. In summary, the available evidence is currently insufficient to determine the role of this variant in disease. Therefore, it has been classified as a Variant of Uncertain Significance.

Ambry Genetics
Classification: Likely benign for Inborn genetic diseases. Last evaluated: 2021-07-16. Review status: criteria provided, single submitter. Criteria: Ambry Variant Classification Scheme 2023. Collection method: clinical testing. Allele origin: germline.

PreventionGenetics, part of Exact Sciences
Classification: Likely benign for DMXL2-related condition. Last evaluated: 2024-07-01. Review status: no assertion criteria provided. Collection method: clinical testing. Allele origin: germline. Not counted in ClinVar's aggregate classification.
Comment: This variant is classified as likely benign based on ACMG/AMP sequence variant interpretation guidelines (Richards et al. 2015 PMID: 25741868, with internal and published modifications).

NM_001378457.1(DMXL2):c.6035A>C (p.Gln2012Pro)

Gene: DMXL2 (Dmx like 2; minus strand). Cytogenetic location: 15q21.2.
Variant type: single nucleotide variant.
Coding change: c.6035A>C on transcript NM_001378457.1 (MANE Select); coding-DNA position 6035, A replaced by C.
Protein change: p.Gln2012Pro; replaces glutamine 2012 with proline.
Molecular consequence: missense variant. On other transcripts: non-coding transcript variant (2).
Genome position (GRCh38, 1-based): chr15:51,481,071, T>G on the plus strand (A>C on the coding strand, the complement: DMXL2 is on the minus strand). VCF-style: chr15-51481071-T-G. GRCh37 (hg19) VCF-style: chr15-51773268-T-G.
Other names: p.Gln2012Pro; c.6035A>C (NM_001174116.2); c.6035A>C, p.Gln2012Pro (NM_001174116.3, NM_001378458.1, NM_001378459.1 and 4 more transcripts); c.4127A>C, p.Gln1376Pro (NM_001174117.3); c.4016A>C, p.Gln1339Pro (NM_001378460.1); c.5795A>C, p.Gln1932Pro (NM_001378464.1); short protein forms Q1932P, Q1339P, Q1376P, Q2012P.
Identifiers: ClinVar variation 2062918 (VCV002062918.5), dbSNP rs138394487, ClinGen allele CA7561698.